The following is an entry in ClinVar:

ClinVar aggregate classification (germline): Pathogenic. Review status: criteria provided, single submitter (1 of 4 stars). 2 submissions from 2 submitters: Pathogenic (1). 1 of the submissions does not count toward it. Last evaluated 2022-04-04.

Allele frequency attached by ClinVar (database versions not stated): gnomAD 0.00001; gnomAD exomes 0.00001; TOPMed below 0.00001; ExAC 0.00001.
gnomAD v4.1: 9 of 1,602,800 alleles (0.00056%); highest among the groups gnomAD compares: Non-Finnish European, 0.00017%; no homozygotes.

Submissions (2):

Labcorp Genetics (formerly Invitae), Labcorp
Classification: Pathogenic. Last evaluated: 2022-04-04. Review status: criteria provided, single submitter. Criteria: Invitae Variant Classification Sherloc (09022015). Collection method: clinical testing. Allele origin: germline.
Comment: Disruption of this splice site has been observed in individual(s) with restrictive dermopathy (PMID: 24169522). In at least one individual the data is consistent with being in trans (on the opposite chromosome) from a pathogenic variant. This variant is present in population databases (rs312262685, gnomAD 0.02%). This sequence change affects an acceptor splice site in intron 4 of the ZMPSTE24 gene. It is expected to disrupt RNA splicing. Variants that disrupt the donor or acceptor splice site typically lead to a loss of protein function (PMID: 16199547), and loss-of-function variants in ZMPSTE24 are known to be pathogenic (PMID: 22718200, 24169522). ClinVar contains an entry for this variant (Variation ID: 140528). Algorithms developed to predict the effect of sequence changes on RNA splicing suggest that this variant may disrupt the consensus splice site. For these reasons, this variant has been classified as Pathogenic.

ZMPSTE24 homepage - Leiden Muscular Dystrophy pages
No classification provided. Review status: no classification provided. Collection method: not provided. Allele origin: germline. Not counted in ClinVar's aggregate classification.
Comment: has functional consequence

Literature cited by the submitters: PubMed 24169522 (cited by Labcorp Genetics (formerly Invitae), Labcorp); PubMed 16199547 (cited by Labcorp Genetics (formerly Invitae), Labcorp); PubMed 22718200 (cited by Labcorp Genetics (formerly Invitae), Labcorp).

NM_005857.5(ZMPSTE24):c.475-2A>G

Gene: ZMPSTE24 (zinc metallopeptidase STE24; plus strand). Cytogenetic location: 1p34.2.
Variant type: single nucleotide variant.
Coding change: c.475-2A>G on transcript NM_005857.5 (MANE Select); the canonical splice acceptor site of the intron before coding-DNA position 475, A replaced by G.
Molecular consequence: splice acceptor variant.
Genome position (GRCh38, 1-based): chr1:40,269,973, A>G. VCF-style: chr1-40269973-A-G. GRCh37 (hg19) VCF-style: chr1-40735645-A-G.
Identifiers: ClinVar variation 140528 (VCV000140528.7), dbSNP rs312262685, ClinGen allele CA232750.